The following is an entry in ClinVar:

ClinVar aggregate classification (germline): Uncertain significance. Review status: criteria provided, single submitter (1 of 4 stars). 2 submissions from 2 submitters: Uncertain significance (1). 1 of the submissions does not count toward it. Last evaluated 2024-07-11.

Conditions:
Hereditary cancer-predisposing syndrome. Also called: Tumor predisposition; Hereditary neoplastic syndrome; Neoplastic Syndromes, Hereditary; Hereditary Cancer Syndrome. Identifiers: Orphanet 140162, MedGen C0027672, MeSH D009386, MONDO:0015356.
Breast-ovarian cancer, familial, susceptibility to, 2 (BROVCA2). Also called: BRCA2 Hereditary Breast and Ovarian Cancer. Identifiers: Orphanet 145, MedGen C2675520, MONDO:0012933, OMIM 612555. Disease mechanism: loss of function.

Submissions (2):

Ambry Genetics
Classification: Uncertain significance for Hereditary cancer-predisposing syndrome. Last evaluated: 2024-07-11. Review status: criteria provided, single submitter. Criteria: Ambry Variant Classification Scheme 2023. Collection method: clinical testing. Allele origin: germline.
Comment: The p.L3353F variant (also known as c.10059G>T), located in coding exon 26 of the BRCA2 gene, results from a G to T substitution at nucleotide position 10059. The leucine at codon 3353 is replaced by phenylalanine, an amino acid with highly similar properties. This amino acid position is conserved. In addition, this alteration is predicted to be tolerated by in silico analysis. Based on the available evidence, the clinical significance of this variant remains unclear.

BRCAlab, Lund University
Classification: Uncertain significance for Breast-ovarian cancer, familial, susceptibility to, 2. Last evaluated: 2020-03-02. Review status: no assertion criteria provided. Collection method: clinical testing. Allele origin: germline. Affected: yes. Not counted in ClinVar's aggregate classification.

NM_000059.4(BRCA2):c.10059G>T (p.Leu3353Phe)

Gene: BRCA2 (BRCA2 DNA repair associated; plus strand). Cytogenetic location: 13q13.1.
Variant type: single nucleotide variant.
Coding change: c.10059G>T on transcript NM_000059.4 (MANE Select); coding-DNA position 10059, G replaced by T.
Protein change: p.Leu3353Phe; replaces leucine 3353 with phenylalanine.
Molecular consequence: missense variant. On other transcripts: non-coding transcript variant (1).
Genome position (GRCh38, 1-based): chr13:32,398,572, G>T. VCF-style: chr13-32398572-G-T. GRCh37 (hg19) VCF-style: chr13-32972709-G-T.
Other names: c.9963G>T, p.Leu3321Phe (NM_001406719.1); c.10008G>T, p.Leu3336Phe (NM_001406720.1); c.5127G>T, p.Leu1709Phe (NM_001406721.1); c.3642G>T, p.Leu1214Phe (NM_001406722.1); short protein forms L1214F, L1709F, L3321F, L3336F, L3353F.
Identifiers: ClinVar variation 2692261 (VCV002692261.2), dbSNP rs2073055075, ClinGen allele CA387767863.